The following is an entry in ClinVar:

ClinVar aggregate classification (germline): Uncertain significance (1 of 4 stars; one submission).

Allele frequency attached by ClinVar (database versions not stated): gnomAD exomes below 0.00001; gnomAD 0.00001; TOPMed 0.00001.
gnomAD v4.1: 2 of 1,574,650 alleles (0.00013%); highest among the groups gnomAD compares: African/African-American, 0.0013%; no homozygotes.

Submission:

Labcorp Genetics (formerly Invitae), Labcorp
Classification: Uncertain significance. Last evaluated: 2021-08-11. Review status: criteria provided, single submitter. Criteria: Invitae Variant Classification Sherloc (09022015). Collection method: clinical testing. Allele origin: germline.
Comment: This sequence change replaces isoleucine with valine at codon 1401 of the MPDZ protein (p.Ile1401Val). The isoleucine residue is highly conserved and there is a small physicochemical difference between isoleucine and valine. This variant is not present in population databases (ExAC no frequency). This variant has not been reported in the literature in individuals affected with MPDZ-related conditions. Algorithms developed to predict the effect of missense changes on protein structure and function (SIFT, PolyPhen-2, Align-GVGD) all suggest that this variant is likely to be disruptive. Algorithms developed to predict the effect of sequence changes on RNA splicing suggest that this variant may create or strengthen a splice site. In summary, the available evidence is currently insufficient to determine the role of this variant in disease. Therefore, it has been classified as a Variant of Uncertain Significance.

NM_001378778.1(MPDZ):c.4201A>G (p.Ile1401Val)

Gene: MPDZ (multiple PDZ domain crumbs cell polarity complex component; minus strand). Cytogenetic location: 9p23.
Variant type: single nucleotide variant.
Coding change: c.4201A>G on transcript NM_001378778.1 (MANE Select); coding-DNA position 4201, A replaced by G.
Protein change: p.Ile1401Val; replaces isoleucine 1401 with valine.
Molecular consequence: missense variant.
Genome position (GRCh38, 1-based): chr9:13,136,803, T>C on the plus strand (A>G on the coding strand, the complement: MPDZ is on the minus strand). VCF-style: chr9-13136803-T-C. GRCh37 (hg19) VCF-style: chr9-13136802-T-C.
Other names: c.3991A>G, p.Ile1331Val (NM_001375421.1, NM_001375422.1, NM_001375423.1 and 4 more transcripts); c.3793A>G, p.Ile1265Val (NM_001375427.1); c.4201A>G, p.Ile1401Val (NM_003829.5, NM_001330637.2, NM_001375413.1); c.4102A>G, p.Ile1368Val (NM_001261406.2, NM_001261407.2, NM_001375416.1 and 3 more transcripts); short protein forms I1265V, I1401V, I1331V, I1368V.
Identifiers: ClinVar variation 1476865 (VCV001476865.6), dbSNP rs892628230, ClinGen allele CA189297222.